The following is an entry in ClinVar:

NM_001267550.2(TTN):c.69716-5C>G

Genes: TTN (titin; minus strand), TTN-AS1 (TTN antisense RNA 1; plus strand), LOC126806422 (BRD4-independent group 4 enhancer GRCh37_chr2:179440205-179441404; plus strand). Cytogenetic location: 2q31.2.
Variant type: single nucleotide variant.
Coding change: c.69716-5C>G on transcript NM_001267550.2 (MANE Select); 5 bases into the intron before coding-DNA position 69716, C replaced by G.
Molecular consequence: intron variant.
Genome position (GRCh38, 1-based): chr2:178,576,421, G>C on the plus strand (C>G on the coding strand, the complement: TTN is on the minus strand). VCF-style: chr2-178576421-G-C. GRCh37 (hg19) VCF-style: chr2-179441148-G-C.
Other names: p.?; c.42896-5C>G (NM_133432.3); c.62012-5C>G (NM_133378.4); c.64793-5C>G (NM_001256850.1); c.42521-5C>G (NM_003319.4); c.43097-5C>G (NM_133437.4); c.69716-5C>G (NM_001267550.1).
Identifiers: ClinVar variation 137806 (VCV000137806.87), dbSNP rs72646886, ClinGen allele CA295531.

ClinVar aggregate classification (germline): Conflicting classifications of pathogenicity. Review status: criteria provided, conflicting classifications (1 of 4 stars). 25 submissions from 21 submitters: Uncertain significance (2); Benign (12); Likely benign (4). 7 of the submissions do not count toward it. Last evaluated 2026-08-01.

Conditions:
TTN-related disorder. Also called: TTN-related disorders; TTN-related condition; TTN-related disease.
Cardiovascular phenotype. Identifiers: MedGen CN230736.
Dilated cardiomyopathy 1G (CMD1G). Identifiers: Orphanet 154, MedGen C1858763, MONDO:0011400, OMIM 604145.
Autosomal recessive limb-girdle muscular dystrophy type 2J (LGMDR10). Also called: Limb-girdle muscular dystrophy, type 2J; MUSCULAR DYSTROPHY, LIMB-GIRDLE, AUTOSOMAL RECESSIVE 10. Identifiers: Orphanet 140922, MedGen C1837342, MONDO:0012127, OMIM 608807.
Cardiomyopathy (CMYO). Also called: Cardiomyopathies. Identifiers: Orphanet 167848, MedGen C0878544, MONDO:0004994, HP:0001638. Inheritance: Various modes of inheritance.
Early-onset myopathy with fatal cardiomyopathy (CMYO5). Also called: Salih Myopathy; CONGENITAL MYOPATHY 5 WITH CARDIOMYOPATHY. Identifiers: Orphanet 289377, MedGen C2673677, MONDO:0012714, OMIM 611705. Disease mechanism: loss of function.
Myopathy, myofibrillar, 9, with early respiratory failure (MFM9). Also called: Hereditary myopathy with early respiratory failure; MYOPATHY, PROXIMAL, WITH EARLY RESPIRATORY MUSCLE INVOLVEMENT; Myopathy, distal, with early respiratory failure, autosomal dominant; EDSTROM MYOPATHY. Identifiers: Orphanet 178464, Orphanet 34521, MedGen C1863599, MONDO:0011362, OMIM 603689.
Tibial muscular dystrophy (TMD). Also called: UDD MYOPATHY; Tibial muscular dystrophy, tardive; Udd Distal Myopathy – Tibial Muscular Dystrophy. Identifiers: Orphanet 609, MedGen C1838244, MONDO:0010870, OMIM 600334.

Allele frequency attached by ClinVar (database versions not stated): 1000 Genomes Project 0.00180; 1000 Genomes Project 30x 0.00187; gnomAD 0.00284 and 0.00290; ESP Exome Variant Server 0.00209; ExAC 0.00267; TOPMed 0.00330.
gnomAD v4.1: 4,928 of 1,576,102 alleles (0.31%); highest among the groups gnomAD compares: Middle Eastern, 0.93%; 12 homozygotes.

Submissions 1 to 18 of 30:

CeGaT Center for Human Genetics Tuebingen
Classification: Benign. Last evaluated: 2026-08-01. Review status: criteria provided, single submitter. Criteria: CeGaT Center For Human Genetics Tuebingen Variant Classification Criteria Version 2. Collection method: clinical testing. Allele origin: germline. Affected: yes. Observed: 73 variant alleles.
Comment: TTN: BP4, BS1, BS2

Labcorp Genetics (formerly Invitae), Labcorp
Classification: Benign for Dilated cardiomyopathy 1G; Autosomal recessive limb-girdle muscular dystrophy type 2J. Last evaluated: 2026-02-03. Review status: criteria provided, single submitter. Criteria: Invitae Variant Classification Sherloc (09022015). Collection method: clinical testing. Allele origin: germline.

Mayo Clinic Laboratories, Mayo Clinic
Classification: Benign. Last evaluated: 2025-06-16. Review status: criteria provided, single submitter. Criteria: ACMG Guidelines, 2015. Collection method: clinical testing. Allele origin: germline. Observed: 16 variant alleles.
Comment: BS1, BS2, BP4, BP7

ARUP Laboratories, Molecular Genetics and Genomics, ARUP Laboratories
Classification: Likely benign. Last evaluated: 2025-05-14. Review status: criteria provided, single submitter. Criteria: ARUP Molecular Germline Variant Investigation Process 2024. Collection method: clinical testing. Allele origin: germline.

Molecular Diagnostic Laboratory for Inherited Cardiovascular Disease, Montreal Heart Institute
Classification: Benign. Last evaluated: 2025-04-09. Review status: criteria provided, single submitter. Criteria: ACMG Guidelines, 2015. Collection method: clinical testing. Allele origin: germline. Affected: no.

Athena Diagnostics
Classification: Benign. Last evaluated: 2025-01-03. Review status: criteria provided, single submitter. Criteria: Athena Diagnostics Criteria. Collection method: clinical testing. Allele origin: unknown.
Comment: The frequency of this variant in the general population is higher than would generally be expected for pathogenic variants in this gene.

Blueprint Genetics
Classification: Likely benign. Last evaluated: 2024-11-25. Review status: criteria provided, single submitter. Criteria: ACMG Guidelines, 2015. Collection method: clinical testing. Allele origin: germline.

CHEO Genetics Diagnostic Laboratory, Children's Hospital of Eastern Ontario
Classification: Benign for Cardiomyopathy. Last evaluated: 2023-01-26. Review status: criteria provided, single submitter. Criteria: ACMG Guidelines, 2015. Collection method: clinical testing. Allele origin: germline. Study: Canadian Open Genetics Repository.

Women's Health and Genetics/Laboratory Corporation of America, LabCorp
Classification: Benign. Last evaluated: 2021-05-24. Review status: criteria provided, single submitter. Criteria: LabCorp Variant Classification Summary - May 2015. Collection method: clinical testing. Allele origin: germline.
Comment: Variant summary: TTN c.62012-5C>G alters a conserved nucleotide located close to a canonical splice site and therefore could affect mRNA splicing, leading to a significantly altered protein sequence. 4/4 computational tools predict no significant impact on normal splicing. However, these predictions have yet to be confirmed by functional studies. The variant allele was found at a frequency of 0.0027 in 212012 control chromosomes in the gnomAD database, including 1 homozygote. The observed variant frequency is approximately 7-fold of the estimated maximal expected allele frequency for a pathogenic variant in TTN causing Dilated Cardiomyopathy phenotype (0.00039), strongly suggesting that the variant is benign. c.62012-5C>G has been reported in the literature in individuals affected with HCM, SUD and SUD/SIDS (e.g. Lopes_2013, Campuzano_2015). These reports do not provide unequivocal conclusions about association of the variant with Dilated Cardiomyopathy. A co-occurrence with a pathogenic variant has been reported (DSP c.8193C>G, p.Y2731X; Internal testing), providing supporting evidence for a benign role. To our knowledge, no experimental evidence demonstrating an impact on protein function has been reported. Eight ClinVar submitters (evaluation after 2014) cite the variant as benign/likely benign and one ClinVar submitter (evaluation after 2014) cites it as uncertain significance. Based on the evidence outlined above, the variant was classified as benign.

Laboratory for Molecular Medicine, Mass General Brigham Personalized Medicine
Classification: Benign. Last evaluated: 2018-03-15. Review status: criteria provided, single submitter. Criteria: LMM Criteria. Collection method: clinical testing. Allele origin: germline. Observed: 12 variant alleles.
Comment: c.62012-5C>G variant in intron 274 of TTN: This variant is classified as benign because been identified in 0.3% (630/240498) of chromosomes by the Genome Aggreg ation Database (gnomAD; dbSNP rs72646886). ACM G/AMP Criteria applied: BA1.

Illumina Laboratory Services, Illumina
Classification: Benign for Tibial muscular dystrophy. Last evaluated: 2017-06-01. Review status: criteria provided, single submitter. Criteria: ICSL Variant Classification Criteria 13 December 2019. Collection method: clinical testing. Allele origin: germline.
Comment: This variant was observed as part of a predisposition screen in an ostensibly healthy population. A literature search was performed for the gene, cDNA change, and amino acid change (where applicable). No publications were found based on this search. Allele frequency data from public databases was too high to be consistent with this variant causing disease. Therefore, this variant is classified as benign.

Illumina Laboratory Services, Illumina
Classification: Likely benign for Dilated cardiomyopathy 1G. Last evaluated: 2017-06-01. Review status: criteria provided, single submitter. Criteria: ICSL Variant Classification Criteria 13 December 2019. Collection method: clinical testing. Allele origin: germline.
Comment: This variant was observed as part of a predisposition screen in an ostensibly healthy population. A literature search was performed for the gene, cDNA change, and amino acid change (where applicable). No publications were found based on this search. Allele frequency data from public databases allowed determination this variant is unlikely to cause disease. Therefore, this variant is classified as likely benign.

Illumina Laboratory Services, Illumina
Classification: Benign for Myopathy, myofibrillar, 9, with early respiratory failure. Last evaluated: 2017-06-01. Review status: criteria provided, single submitter. Criteria: ICSL Variant Classification Criteria 13 December 2019. Collection method: clinical testing. Allele origin: germline.
Comment: the same text as in the submission from Illumina Laboratory Services, Illumina above.

Illumina Laboratory Services, Illumina
Classification: Uncertain significance for Autosomal recessive limb-girdle muscular dystrophy type 2J. Last evaluated: 2017-04-27. Review status: criteria provided, single submitter. Criteria: ICSL Variant Classification Criteria 13 December 2019. Collection method: clinical testing. Allele origin: germline.

Illumina Laboratory Services, Illumina
Classification: Uncertain significance for Early-onset myopathy with fatal cardiomyopathy. Last evaluated: 2017-04-27. Review status: criteria provided, single submitter. Criteria: ICSL Variant Classification Criteria 13 December 2019. Collection method: clinical testing. Allele origin: germline.

Eurofins Ntd Llc (ga)
Classification: Benign. Last evaluated: 2015-01-19. Review status: criteria provided, single submitter. Criteria: EGL Classification Definitions 2015. Collection method: clinical testing. Allele origin: germline. Observed: 2 variant alleles, 2 heterozygotes.

Ambry Genetics
Classification: Likely benign for Cardiovascular phenotype. Last evaluated: 2013-10-01. Review status: criteria provided, single submitter. Criteria: Ambry Autosomal Dominant and X-Linked criteria (10/2015). Collection method: clinical testing. Allele origin: germline. Observed: 1 variant allele.

GeneDx
Classification: Benign. Last evaluated: 2013-01-31. Review status: criteria provided, single submitter. Criteria: GeneDx Variant Classification (06012015). Collection method: clinical testing. Allele origin: germline. Affected: yes.
Comment: This variant is considered likely benign or benign based on one or more of the following criteria: it is a conservative change, it occurs at a poorly conserved position in the protein, it is predicted to be benign by multiple in silico algorithms, and/or has population frequency not consistent with disease.